The following is an entry in ClinVar:

NM_000520.6(HEXA):c.754C>T (p.Arg252Cys)

Gene: HEXA (hexosaminidase subunit alpha; minus strand). Cytogenetic location: 15q23.
Variant type: single nucleotide variant.
Coding change: c.754C>T on transcript NM_000520.6 (MANE Select); coding-DNA position 754, C replaced by T.
Protein change: p.Arg252Cys; replaces arginine 252 with cysteine.
Molecular consequence: missense variant. On other transcripts: non-coding transcript variant (1).
Genome position (GRCh38, 1-based): chr15:72,350,569, G>A on the plus strand (C>T on the coding strand, the complement: HEXA is on the minus strand). VCF-style: chr15-72350569-G-A. GRCh37 (hg19) VCF-style: chr15-72642910-G-A.
Other names: c.787C>T, p.Arg263Cys (NM_001318825.2); short protein forms R252C, R263C.
Identifiers: ClinVar variation 522667 (VCV000522667.28), dbSNP rs566580738, ClinGen allele CA7644905.

ClinVar aggregate classification (germline): Pathogenic/Likely pathogenic. Review status: criteria provided, multiple submitters, no conflicts (2 of 4 stars). 12 submissions from 12 submitters: Pathogenic (4); Likely pathogenic (7). 1 of the submissions does not count toward it. Last evaluated 2025-12-30.

Conditions:
Tay-Sachs disease (TSD). Also called: GM2 gangliosidosis, type 1; Hexosaminidase alpha-subunit deficiency (variant B); Sphingolipidosis, Tay-Sachs; HEXA Disorders; Hexosaminidase A Deficiency; HEXA DEFICIENCY. Identifiers: Orphanet 845, MedGen C0039373, MONDO:0010100, OMIM 272800.

Allele frequency attached by ClinVar (database versions not stated): gnomAD exomes below 0.00001 and 0.00001; TOPMed below 0.00001; gnomAD 0.00001 and 0.00002; ExAC 0.00002; 1000 Genomes Project 0.00020; 1000 Genomes Project 30x 0.00047.
gnomAD v4.1: 10 of 1,614,066 alleles (0.00062%); highest among the groups gnomAD compares: South Asian, 0.0033%; no homozygotes.

Submissions (12):

Department of Clinical Genetics, Aarhus University Hospital
Classification: Pathogenic for Tay-Sachs disease. Last evaluated: 2025-12-30. Review status: criteria provided, single submitter. Criteria: ACMG Guidelines, 2015. Collection method: clinical testing. Allele origin: inherited. Inheritance: Autosomal recessive inheritance. Affected: yes. Observed: 2 variant alleles.
Comment: This variant was found in compound heterozygous state with HEXA c.1305_1306delinsTG. The variant has previously been reported as a homozygous and compound heterozygous genotype in multiple individuals affected with Tay-Sachs Disease (PMID:31076878;3354737; 38112342). Other missense changes of p.Arg252 residue are reported in individuals affected with Tay-Sachs Disease (PMID: 8730294;14566483). In silico tools (AlphaMissense, REVEL) predict a damaging effect of the variant on protein function. The variant is seen with a frequency of 6.195e-06 in the gnomAD v4.1 database. According to the ACMG guidelines, this variant is interpreted as pathogenic (PM2_supporting, PM5, PP3_moderate, PM3, PP4_strong).

Natera, Inc.
Classification: Likely pathogenic for Tay-Sachs disease. Last evaluated: 2025-05-08. Review status: criteria provided, single submitter. Criteria: Natera Variant Classification Schema (03/2026). Collection method: clinical testing. Allele origin: germline.
Comment: The c.754C>T variant in HEXA is a missense variant predicted to cause substitution of arginine to cysteine at amino acid 252. This variant is rare in the general population with a frequency below the threshold expected for the associated phenotype(s). This variant has been observed in one or more individuals affected with the associated recessive disease, as either homozygous or compound heterozygous with a second variant (PMID: 38168508, 31076878, 34800199, 38277958). Additionally, this variant has been observed to segregate in affected family members (PMID: 31076878). Computational prediction algorithms indicate this variant is likely to affect gene or protein function. Given the available evidence, this variant is classified as Likely Pathogenic.

Labcorp Genetics (formerly Invitae), Labcorp
Classification: Pathogenic for Tay-Sachs disease. Last evaluated: 2024-10-03. Review status: criteria provided, single submitter. Criteria: Invitae Variant Classification Sherloc (09022015). Collection method: clinical testing. Allele origin: germline.
Comment: This sequence change replaces arginine, which is basic and polar, with cysteine, which is neutral and slightly polar, at codon 252 of the HEXA protein (p.Arg252Cys). This variant is present in population databases (rs566580738, gnomAD 0.006%). This missense change has been observed in individual(s) with HEXA-related diseases (PMID: 31076878; internal data). ClinVar contains an entry for this variant (Variation ID: 522667). Invitae Evidence Modeling of protein sequence and biophysical properties (such as structural, functional, and spatial information, amino acid conservation, physicochemical variation, residue mobility, and thermodynamic stability) indicates that this missense variant is expected to disrupt HEXA protein function with a positive predictive value of 95%. This variant disrupts the p.Arg252 amino acid residue in HEXA. Other variant(s) that disrupt this residue have been determined to be pathogenic (PMID: 8730294). This suggests that this residue is clinically significant, and that variants that disrupt this residue are likely to be disease-causing. For these reasons, this variant has been classified as Pathogenic.

GeneDx
Classification: Likely pathogenic. Last evaluated: 2024-07-15. Review status: criteria provided, single submitter. Criteria: GeneDx Variant Classification Process June 2021. Collection method: clinical testing. Allele origin: germline. Affected: yes.
Comment: Not observed at significant frequency in large population cohorts (gnomAD); In silico analysis supports that this missense variant has a deleterious effect on protein structure/function; This variant is associated with the following publications: (PMID: 8730294, 33547378, 33240792, 31388111, 38277958, 38168508, 31076878)

Foundation for Research in Genetics and Endocrinology, FRIGE's Institute of Human Genetics
Classification: Likely pathogenic for Tay-Sachs disease. Last evaluated: 2022-09-30. Review status: criteria provided, single submitter. Criteria: ACMG Guidelines, 2015. Collection method: clinical testing. Allele origin: germline. Inheritance: Autosomal recessive inheritance. Affected: yes. Observed: 1 homozygote.
Comment: The variant has shown a homozygous status for c.754C>T (p.Arg252Cys) in exon 7 of the HEXA gene. This variant is not reported in the 1000 genomes and has MAF of 0.0019% in the gnomAD database. It is reported in dbSNP database with ID of rs566580738. The in-silico prediction of the variant is disease causing by LRT, MutPred, Mutation Taster, SIFT and PROVEAN.

Myriad Genetics, Inc.
Classification: Likely pathogenic for Tay-Sachs disease. Last evaluated: 2021-11-01. Review status: criteria provided, single submitter. Criteria: Myriad Women's Health Autosomal Recessive and X-Linked Classification Criteria (2021). Collection method: clinical testing. Allele origin: unknown.
Comment: NM_000520.4(HEXA):c.754C>T(R252C) is a missense variant classified as likely pathogenic in the context of hexosaminidase A deficiency. R252C has been observed in cases with relevant disease (PMID: 31076878, 31388111, 33240792). Functional assessments of this variant are not available in the literature. R252C has been observed in population frequency databases (gnomAD: SAS 0.01%). In summary, NM_000520.4(HEXA):c.754C>T(R252C) is a missense variant that has been observed more frequently in cases with the relevant disease than in healthy populations. Please note: this variant was assessed in the context of healthy population screening.

Women's Health and Genetics/Laboratory Corporation of America, LabCorp
Classification: Pathogenic for Tay-Sachs disease. Last evaluated: 2021-09-29. Review status: criteria provided, single submitter. Criteria: LabCorp Variant Classification Summary - May 2015. Collection method: clinical testing. Allele origin: germline.
Comment: Variant summary: HEXA c.754C>T (p.Arg252Cys) results in a non-conservative amino acid change located in the Glycoside hydrolase family 20, catalytic domain (IPR015883) of the encoded protein sequence. Other missense variant affecting this residue, such as p.Arg252His and p.Arg252Leu have been reported in patients with Tay-Sachs disease, supporting a critical role for this residue for overall function. Five of five in-silico tools predict a damaging effect of the variant on protein function. The variant allele was found at a frequency of 1.2e-05 in 251466 control chromosomes. c.754C>T has been reported in the literature as a homozygous and compound heterozygous genotype in multiple individuals affected with Tay-Sachs Disease (example, Mistri_2019, Jahnova_2019, King_2020, Mahdieh_2021). These data indicate that the variant is very likely to be associated with disease. At least one publication reports experimental evidence evaluating an impact on protein function. The most pronounced variant effect results in <10% of normal HEX-A activity with MUGS as a substrate (example, Mistri_2019). Five clinical diagnostic laboratories have submitted clinical-significance assessments for this variant to ClinVar after 2014 without evidence for independent evaluation (likely pathogenic, n=4, VUS, n=1). None of these submitters cite overlapping evidence utilized in the context of this evaluation. Based on the evidence outlined above, the variant was classified as pathogenic.

Revvity Omics, Revvity
Classification: Likely pathogenic for Tay-Sachs disease. Last evaluated: 2020-03-02. Review status: criteria provided, single submitter. Criteria: ACMG Guidelines, 2015. Collection method: clinical testing. Allele origin: germline.

Rajaie Cardiovascular, Medical and Research Center, Iran University of Medical Sciences
Classification: Likely pathogenic for Tay-Sachs disease. Last evaluated: 2019-07-05. Review status: criteria provided, single submitter. Criteria: ACMG Guidelines, 2015. Collection method: research. Allele origin: inherited. Inheritance: Autosomal recessive inheritance. Affected: yes.

Genomic Research Center, Shahid Beheshti University of Medical Sciences
Classification: Likely pathogenic for Tay-Sachs disease. Last evaluated: 2017-12-03. Review status: criteria provided, single submitter. Criteria: ACMG Guidelines, 2015. Collection method: clinical testing. Allele origin: inherited. Affected: yes.

Kariminejad - Najmabadi Pathology & Genetics Center
Classification: Pathogenic for Tay-Sachs disease. Review status: criteria provided, single submitter. Criteria: ACMG Guidelines, 2015. Collection method: clinical testing. Allele origin: germline. Affected: no.

Myelin Disorders Clinic-Children's Medical Center/Medical Genetics Lab-Tarbiat Modares University, Children's Medical Center, Pediatrics Center of Excellence,
Classification: Uncertain significance for Tay-Sachs disease. Review status: no assertion criteria provided. Collection method: clinical testing. Allele origin: inherited. Inheritance: Autosomal recessive inheritance. Affected: yes. Observed: 1 homozygote. Not counted in ClinVar's aggregate classification.

Literature cited by the submitters: PubMed 38112342 (cited by Department of Clinical Genetics, Aarhus University Hospital); PubMed 31076878 (cited by 5 submitters); PubMed 33547378 (cited by Department of Clinical Genetics, Aarhus University Hospital and Women's Health and Genetics/Laboratory Corporation of America, LabCorp); PubMed 8730294 (cited by Department of Clinical Genetics, Aarhus University Hospital and Labcorp Genetics (formerly Invitae), Labcorp); PubMed 14566483 (cited by Department of Clinical Genetics, Aarhus University Hospital); PubMed 38168508 (cited by Natera, Inc.); PubMed 34800199 (cited by Natera, Inc.); PubMed 38277958 (cited by Natera, Inc.); PubMed 31388111 (cited by Myriad Genetics, Inc. and Women's Health and Genetics/Laboratory Corporation of America, LabCorp); PubMed 33240792 (cited by Myriad Genetics, Inc. and Women's Health and Genetics/Laboratory Corporation of America, LabCorp).